The following is an entry in ClinVar:

NM_000379.4(XDH):c.3864T>C (p.Gly1288=)

Gene: XDH (xanthine dehydrogenase; minus strand). Cytogenetic location: 2p23.1.
Variant type: single nucleotide variant.
Coding change: c.3864T>C on transcript NM_000379.4 (MANE Select); coding-DNA position 3864, T replaced by C.
Protein change: p.Gly1288=; no amino-acid change (glycine 1288 retained).
Molecular consequence: synonymous variant.
Genome position (GRCh38, 1-based): chr2:31,337,728, A>G on the plus strand (T>C on the coding strand, the complement: XDH is on the minus strand). VCF-style: chr2-31337728-A-G. GRCh37 (hg19) VCF-style: chr2-31560594-A-G.
Identifiers: ClinVar variation 791699 (VCV000791699.15), dbSNP rs148477626, ClinGen allele CA1598236.
Genomic context (GRCh38, chr2:31,337,728, plus strand): 5'-ATTGCGGATCTTCTCCGGGGTGGCAGGGCTGTCTAGCCGGAAGAGTTCCTTCACGTTATT[A>G]CCTGTGTGCTGAGCTCGAGCTGCACGGATGGCATCTTTGATGGCAAAGAAGATAGAAGCA-3'
Protein context (NP_000370.2, residues 1278-1298): AIRAARAQHT[Gly1288=]NNVKELFRLD

ClinVar aggregate classification (germline): Conflicting classifications of pathogenicity. Review status: criteria provided, conflicting classifications (1 of 4 stars). 3 submissions from 3 submitters: Uncertain significance (1); Likely benign (1). 1 of the submissions does not count toward it. Last evaluated 2025-11-27.

Conditions:
Hereditary xanthinuria type 1 (XAN1). Identifiers: Orphanet 3467, Orphanet 93601, MedGen C0268118, MONDO:0010209, OMIM 278300.
XDH-related disorder. Also called: XDH-related condition.
Xanthinuria type II. Also called: Xanthine dehydrogenase and aldehyde oxidase combined deficiency of; XDH and AOX dual deficiency. Identifiers: Orphanet 3467, Orphanet 93602, MedGen C1863688, MONDO:0011346, OMIM 603592.

Allele frequency attached by ClinVar (database versions not stated): 1000 Genomes Project 30x 0.00016; 1000 Genomes Project 0.00020; ExAC 0.00035; gnomAD exomes 0.00036 and 0.00102; TOPMed 0.00054; gnomAD 0.00064; ESP Exome Variant Server 0.00085.
gnomAD v4.1: 1,569 of 1,614,096 alleles (0.097%); highest among the groups gnomAD compares: Non-Finnish European, 0.13%; 1 homozygote.

Submissions (3):

Labcorp Genetics (formerly Invitae), Labcorp
Classification: Likely benign for Xanthinuria type II. Last evaluated: 2025-11-27. Review status: criteria provided, single submitter. Criteria: Invitae Variant Classification Sherloc (09022015). Collection method: clinical testing. Allele origin: germline.

Illumina Laboratory Services, Illumina
Classification: Uncertain significance for Hereditary xanthinuria type 1. Last evaluated: 2018-01-12. Review status: criteria provided, single submitter. Criteria: ICSL Variant Classification Criteria 13 December 2019. Collection method: clinical testing. Allele origin: germline.

PreventionGenetics, part of Exact Sciences
Classification: Likely benign for XDH-related condition. Last evaluated: 2024-09-27. Review status: no assertion criteria provided. Collection method: clinical testing. Allele origin: germline. Not counted in ClinVar's aggregate classification.
Comment: This variant is classified as likely benign based on ACMG/AMP sequence variant interpretation guidelines (Richards et al. 2015 PMID: 25741868, with internal and published modifications).